The following is an entry in ClinVar:

NM_001042492.3(NF1):c.4736A>C (p.His1579Pro)

Gene: NF1 (neurofibromin 1; plus strand). Cytogenetic location: 17q11.2.
Variant type: single nucleotide variant.
Coding change: c.4736A>C on transcript NM_001042492.3 (MANE Select); coding-DNA position 4736, A replaced by C.
Protein change: p.His1579Pro; replaces histidine 1579 with proline.
Molecular consequence: missense variant.
Genome position (GRCh38, 1-based): chr17:31,265,240, A>C. VCF-style: chr17-31265240-A-C. GRCh37 (hg19) VCF-style: chr17-29592258-A-C.
Other names: c.4673A>C, p.His1558Pro (NM_000267.4); short protein forms H1558P, H1579P.
Identifiers: ClinVar variation 655293 (VCV000655293.8), dbSNP rs1275751975, ClinGen allele CA399001167.

ClinVar aggregate classification (germline): Uncertain significance. Review status: criteria provided, multiple submitters, no conflicts (2 of 4 stars). 2 submissions from 2 submitters: Uncertain significance (2). Last evaluated 2025-05-12.

Conditions:
Cardiovascular phenotype. Identifiers: MedGen CN230736.
Hereditary cancer-predisposing syndrome. Also called: Neoplastic Syndromes, Hereditary; Hereditary neoplastic syndrome; Hereditary Cancer Syndrome; Tumor predisposition. Identifiers: Orphanet 140162, MedGen C0027672, MeSH D009386, MONDO:0015356.
Neurofibromatosis, type 1 (NF1). Also called: VON RECKLINGHAUSEN DISEASE; NEUROFIBROMATOSIS, TYPE I, SOMATIC; Peripheral type neurofibromatosis; Neurofibromatosis, type I. Identifiers: Orphanet 636, MedGen C0027831, MONDO:0018975, OMIM 162200. Disease mechanism: loss of function.

Submissions (2):

Ambry Genetics
Classification: Uncertain significance for Cardiovascular phenotype; Hereditary cancer-predisposing syndrome. Last evaluated: 2025-05-12. Review status: criteria provided, single submitter. Criteria: Ambry Variant Classification Scheme 2023. Collection method: clinical testing. Allele origin: germline.
Comment: The p.H1558P variant (also known as c.4673A>C), located in coding exon 35 of the NF1 gene, results from an A to C substitution at nucleotide position 4673. The histidine at codon 1558 is replaced by proline, an amino acid with similar properties. This amino acid position is highly conserved in available vertebrate species. In addition, the in silico prediction for this alteration is inconclusive. Based on the available evidence, the clinical significance of this variant remains unclear.

Labcorp Genetics (formerly Invitae), Labcorp
Classification: Uncertain significance for Neurofibromatosis, type 1. Last evaluated: 2025-05-06. Review status: criteria provided, single submitter. Criteria: Invitae Variant Classification Sherloc (09022015). Collection method: clinical testing. Allele origin: germline.
Comment: This sequence change replaces histidine, which is basic and polar, with proline, which is neutral and non-polar, at codon 1558 of the NF1 protein (p.His1558Pro). This variant is not present in population databases (gnomAD no frequency). This variant has not been reported in the literature in individuals affected with NF1-related conditions. ClinVar contains an entry for this variant (Variation ID: 655293). Invitae Evidence Modeling of protein sequence and biophysical properties (such as structural, functional, and spatial information, amino acid conservation, physicochemical variation, residue mobility, and thermodynamic stability) indicates that this missense variant is expected to disrupt NF1 protein function with a positive predictive value of 95%. In summary, the available evidence is currently insufficient to determine the role of this variant in disease. Therefore, it has been classified as a Variant of Uncertain Significance.